The following is an entry in ClinVar:

ClinVar aggregate classification (germline): Uncertain significance (1 of 4 stars; one submission).

gnomAD v4.1: 1 of 1,613,388 alleles (0.000062%); highest among the groups gnomAD compares: African/African-American, 0.0013%; no homozygotes.

Submission:

GeneDx
Classification: Uncertain significance. Last evaluated: 2026-03-27. Review status: criteria provided, single submitter. Criteria: GeneDx Variant Classification Process June 2021. Collection method: clinical testing. Allele origin: germline.
Comment: Not observed at significant frequency in large population cohorts (gnomAD); In silico analysis supports that this missense variant has a deleterious effect on protein structure/function; Has not been previously published as pathogenic or benign to our knowledge

NM_015021.3(ZNF292):c.6812C>T (p.Ser2271Leu)

Gene: ZNF292 (zinc finger protein 292; plus strand). Cytogenetic location: 6q14.3.
Variant type: single nucleotide variant.
Coding change: c.6812C>T on transcript NM_015021.3 (MANE Select); coding-DNA position 6812, C replaced by T.
Protein change: p.Ser2271Leu; replaces serine 2271 with leucine.
Molecular consequence: missense variant.
Genome position (GRCh38, 1-based): chr6:87,260,441, C>T. VCF-style: chr6-87260441-C-T. GRCh37 (hg19) VCF-style: chr6-87970159-C-T.
Other names: c.6392C>T, p.Ser2131Leu (NM_001351444.2); short protein forms S2131L, S2271L.
Identifiers: ClinVar variation 5017720 (VCV005017720.1).